The following is an entry in ClinVar:

NM_002470.4(MYH3):c.1009A>G (p.Ile337Val)

Gene: MYH3 (myosin heavy chain 3; minus strand). Cytogenetic location: 17p13.1.
Variant type: single nucleotide variant.
Coding change: c.1009A>G on transcript NM_002470.4 (MANE Select); coding-DNA position 1009, A replaced by G.
Protein change: p.Ile337Val; replaces isoleucine 337 with valine.
Molecular consequence: missense variant.
Genome position (GRCh38, 1-based): chr17:10,645,839, T>C on the plus strand (A>G on the coding strand, the complement: MYH3 is on the minus strand). VCF-style: chr17-10645839-T-C. GRCh37 (hg19) VCF-style: chr17-10549156-T-C.
Other names: short protein forms I337V.
Identifiers: ClinVar variation 1461011 (VCV001461011.6), dbSNP rs2074315706, ClinGen allele CA398176577.

ClinVar aggregate classification (germline): Uncertain significance (1 of 4 stars; one submission).

Submission:

Labcorp Genetics (formerly Invitae), Labcorp
Classification: Uncertain significance. Last evaluated: 2021-10-01. Review status: criteria provided, single submitter. Criteria: Invitae Variant Classification Sherloc (09022015). Collection method: clinical testing. Allele origin: germline.
Comment: This sequence change replaces isoleucine with valine at codon 337 of the MYH3 protein (p.Ile337Val). The isoleucine residue is highly conserved and there is a small physicochemical difference between isoleucine and valine. This variant is not present in population databases (ExAC no frequency). This variant has not been reported in the literature in individuals affected with MYH3-related conditions. Algorithms developed to predict the effect of missense changes on protein structure and function (SIFT, PolyPhen-2, Align-GVGD) all suggest that this variant is likely to be disruptive. In summary, the available evidence is currently insufficient to determine the role of this variant in disease. Therefore, it has been classified as a Variant of Uncertain Significance.